The following is an entry in ClinVar:

Conditions:
Breast-ovarian cancer, familial, susceptibility to, 1 (BROVCA1). Also called: BRCA1 Hereditary Breast and Ovarian Cancer; OVARIAN CANCER, SUSCEPTIBILITY TO. Identifiers: Orphanet 145, MedGen C2676676, MONDO:0011450, OMIM 604370. Disease mechanism: loss of function.

Submission:

Brotman Baty Institute, University of Washington
No classification provided (evidence only). Condition: Breast-ovarian cancer, familial 1. Review status: no classification provided. Collection method: in vitro. Allele origin: not applicable. Functional consequence: functionally_normal.
ClinVar note: "not provided" was previously submitted as the classification for the variant. However, the classification appeared to be based only on an observation of functional data so it was converted to no classification on 2025-07-30.

NM_007294.4(BRCA1):c.94A>C (p.Lys32Gln)

Gene: BRCA1 (BRCA1 DNA repair associated; minus strand). Cytogenetic location: 17q21.31.
Variant type: single nucleotide variant.
Coding change: c.94A>C on transcript NM_007294.4 (MANE Select); coding-DNA position 94, A replaced by C.
Protein change: p.Lys32Gln; replaces lysine 32 with glutamine.
Molecular consequence: missense variant. On other transcripts: non-coding transcript variant (1), intron variant (1).
Genome position (GRCh38, 1-based): chr17:43,115,766, T>G on the plus strand (A>C on the coding strand, the complement: BRCA1 is on the minus strand). VCF-style: chr17-43115766-T-G. GRCh37 (hg19) VCF-style: chr17-41267783-T-G.
Other names: c.-95A>C (NM_001407571.1, NM_001407853.1, NM_001407879.1 and 52 more transcripts); c.94A>C, p.Lys32Gln (NM_001407581.1, NM_001407582.1, NM_001407583.1 and 192 more transcripts); c.-164A>C (NM_001407694.1, NM_001407696.1, NM_001407724.1 and 13 more transcripts); c.-168A>C (NM_001407695.1, NM_001408465.1); c.-48A>C (NM_001407697.1, NM_001407725.1, NM_001407728.1 and 47 more transcripts); c.-44A>C (NM_001407841.1); c.-211A>C (NM_001407889.1, NM_001407900.1, NM_001408492.1); c.-210A>C (NM_001407960.1, NM_001407962.1, NM_001408510.1 and 1 more transcripts); and 2 more; short protein forms K32Q.
Identifiers: ClinVar variation 867792 (VCV000867792.3), dbSNP rs2055258887, ClinGen allele CA10601967.